The following is an entry in ClinVar:

NM_139076.3(ABRAXAS1):c.401T>G (p.Leu134Arg)

Gene: ABRAXAS1 (abraxas 1, BRCA1 A complex subunit; minus strand). Cytogenetic location: 4q21.23.
Variant type: single nucleotide variant.
Coding change: c.401T>G on transcript NM_139076.3 (MANE Select); coding-DNA position 401, T replaced by G.
Protein change: p.Leu134Arg; replaces leucine 134 with arginine.
Molecular consequence: missense variant.
Genome position (GRCh38, 1-based): chr4:83,470,278, A>C on the plus strand (T>G on the coding strand, the complement: ABRAXAS1 is on the minus strand). VCF-style: chr4-83470278-A-C. GRCh37 (hg19) VCF-style: chr4-84391431-A-C.
Other names: c.74T>G, p.Leu25Arg (NM_001345962.2); short protein forms L134R, L25R.
Identifiers: ClinVar variation 1799823 (VCV001799823.3), dbSNP rs2529438092, ClinGen allele CA357259820.

ClinVar aggregate classification (germline): Uncertain significance (1 of 4 stars; one submission).

Submission:

Ambry Genetics
Classification: Uncertain significance. Last evaluated: 2025-12-03. Review status: criteria provided, single submitter. Criteria: Ambry Variant Classification Scheme 2023. Collection method: clinical testing. Allele origin: germline.
Comment: The p.L134R variant (also known as c.401T>G), located in coding exon 5 of the FAM175A gene, results from a T to G substitution at nucleotide position 401. The leucine at codon 134 is replaced by arginine, an amino acid with dissimilar properties. This amino acid position is conserved. In addition, this alteration is predicted to be deleterious by in silico analysis. Since supporting evidence is limited at this time, the clinical significance of this alteration remains unclear.